The following is an entry in ClinVar:

ClinVar aggregate classification (germline): Uncertain significance (1 of 4 stars; one submission).

Conditions:
Glycogen storage disease, type IV (GSD4). Also called: GBE1 DEFICIENCY; GLYCOGEN BRANCHING ENZYME DEFICIENCY; GLYCOGENOSIS IV; GSD IV; AMYLOPECTINOSIS; ANDERSEN DISEASE. Identifiers: Orphanet 367, MedGen C0017923, MONDO:0009292, OMIM 232500.
Glycogen storage disease IV, classic hepatic. Also called: GSD IV, CLASSIC HEPATIC. Identifiers: MedGen C1856301.

Allele frequency attached by ClinVar (database versions not stated): gnomAD exomes 0.00001.

Submission:

Labcorp Genetics (formerly Invitae), Labcorp
Classification: Uncertain significance for Glycogen storage disease, type IV; Glycogen storage disease IV, classic hepatic. Last evaluated: 2022-08-23. Review status: criteria provided, single submitter. Criteria: Invitae Variant Classification Sherloc (09022015). Collection method: clinical testing. Allele origin: germline.
Comment: This sequence change replaces proline, which is neutral and non-polar, with serine, which is neutral and polar, at codon 7 of the GBE1 protein (p.Pro7Ser). This variant is not present in population databases (gnomAD no frequency). This variant has not been reported in the literature in individuals affected with GBE1-related conditions. ClinVar contains an entry for this variant (Variation ID: 1427320). Advanced modeling of protein sequence and biophysical properties (such as structural, functional, and spatial information, amino acid conservation, physicochemical variation, residue mobility, and thermodynamic stability) performed at Invitae indicates that this missense variant is not expected to disrupt GBE1 protein function. In summary, the available evidence is currently insufficient to determine the role of this variant in disease. Therefore, it has been classified as a Variant of Uncertain Significance.

NM_000158.4(GBE1):c.19C>T (p.Pro7Ser)

Gene: GBE1 (1,4-alpha-glucan branching enzyme 1; minus strand). Cytogenetic location: 3p12.2.
Variant type: single nucleotide variant.
Coding change: c.19C>T on transcript NM_000158.4 (MANE Select); coding-DNA position 19, C replaced by T.
Protein change: p.Pro7Ser; replaces proline 7 with serine.
Molecular consequence: missense variant.
Genome position (GRCh38, 1-based): chr3:81,761,499, G>A on the plus strand (C>T on the coding strand, the complement: GBE1 is on the minus strand). VCF-style: chr3-81761499-G-A. GRCh37 (hg19) VCF-style: chr3-81810650-G-A.
Other names: short protein forms P7S.
Identifiers: ClinVar variation 1427320 (VCV001427320.5), dbSNP rs1401990930, ClinGen allele CA353687082.